The following is an entry in ClinVar:

ClinVar aggregate classification (germline): Pathogenic (1 of 4 stars; one submission).

Submission:

Labcorp Genetics (formerly Invitae), Labcorp
Classification: Pathogenic. Last evaluated: 2023-08-04. Review status: criteria provided, single submitter. Criteria: Invitae Variant Classification Sherloc (09022015). Collection method: clinical testing. Allele origin: germline.
Comment: This variant is a gross deletion of the genomic region encompassing exon(s) 13 of the ITGA8 gene. This variant would be expected to be in-frame, preserving the integrity of the reading frame. For these reasons, this variant has been classified as Pathogenic. This variant disrupts a region of the ITGA8 protein in which other variant(s) (p.Gly407Arg) have been determined to be pathogenic (PMID: 24439109). This suggests that this is a clinically significant region of the protein, and that variants that disrupt it are likely to be disease-causing. This variant has not been reported in the literature in individuals affected with ITGA8-related conditions.

Literature cited by the submitters: PubMed 24439109.

NC_000010.10:g.(?_15686009)_(15686240_?)del

Gene: ITGA8 (integrin subunit alpha 8; minus strand). Cytogenetic location: 10p13.
Variant type: Deletion.
Identifiers: ClinVar variation 2424712 (VCV002424712.4).